The following is an entry in ClinVar:

NM_138393.4(REEP6):c.151G>A (p.Gly51Ser)

Gene: REEP6 (receptor accessory protein 6; plus strand). Cytogenetic location: 19p13.3.
Variant type: single nucleotide variant.
Coding change: c.151G>A on transcript NM_138393.4 (MANE Select); coding-DNA position 151, G replaced by A.
Protein change: p.Gly51Ser; replaces glycine 51 with serine.
Molecular consequence: missense variant.
Genome position (GRCh38, 1-based): chr19:1,495,329, G>A. VCF-style: chr19-1495329-G-A. GRCh37 (hg19) VCF-style: chr19-1495328-G-A.
Other names: c.151G>A, p.Gly51Ser (NM_001329556.3); c.151G>A (NM_138393.1); short protein forms G51S.
Identifiers: ClinVar variation 1054975 (VCV001054975.6), dbSNP rs767308604, ClinGen allele CA9047413.

ClinVar aggregate classification (germline): Uncertain significance. Review status: criteria provided, multiple submitters, no conflicts (2 of 4 stars). 3 submissions from 3 submitters: Uncertain significance (3). Last evaluated 2024-06-17.

Conditions:
Inborn genetic diseases. Identifiers: MedGen C0950123, MeSH D030342.

Allele frequency attached by ClinVar (database versions not stated): gnomAD 0.00003; TOPMed 0.00003; ExAC 0.00008; gnomAD exomes 0.00010.

Submissions (3):

Ambry Genetics
Classification: Uncertain significance for Inborn genetic diseases. Last evaluated: 2024-06-17. Review status: criteria provided, single submitter. Criteria: Ambry Variant Classification Scheme 2023. Collection method: clinical testing. Allele origin: germline.

Blueprint Genetics
Classification: Uncertain significance. Last evaluated: 2024-06-12. Review status: criteria provided, single submitter. Criteria: ACMG Guidelines, 2015. Collection method: clinical testing. Allele origin: germline.

Labcorp Genetics (formerly Invitae), Labcorp
Classification: Uncertain significance. Last evaluated: 2022-09-15. Review status: criteria provided, single submitter. Criteria: Invitae Variant Classification Sherloc (09022015). Collection method: clinical testing. Allele origin: germline.
Comment: This sequence change replaces glycine, which is neutral and non-polar, with serine, which is neutral and polar, at codon 51 of the REEP6 protein (p.Gly51Ser). This variant is present in population databases (rs767308604, gnomAD 0.06%). This variant has not been reported in the literature in individuals affected with REEP6-related conditions. ClinVar contains an entry for this variant (Variation ID: 1054975). Experimental studies and prediction algorithms are not available or were not evaluated, and the functional significance of this variant is currently unknown. In summary, the available evidence is currently insufficient to determine the role of this variant in disease. Therefore, it has been classified as a Variant of Uncertain Significance.